The following is an entry in ClinVar:

ClinVar aggregate classification (germline): Likely benign (1 of 4 stars; one submission).

Submission:

CeGaT Center for Human Genetics Tuebingen
Classification: Likely benign. Last evaluated: 2026-10-01. Review status: criteria provided, single submitter. Criteria: CeGaT Center For Human Genetics Tuebingen Variant Classification Criteria Version 2. Collection method: clinical testing. Allele origin: germline. Affected: yes. Observed: 1 variant allele.
Comment: KLC2: BP4, BP7

NM_001318734.2(KLC2):c.1455C>T (p.Pro485=)

Gene: KLC2 (kinesin light chain 2; plus strand). Cytogenetic location: 11q13.2.
Variant type: single nucleotide variant.
Coding change: c.1455C>T on transcript NM_001318734.2 (MANE Select); coding-DNA position 1455, C replaced by T.
Protein change: p.Pro485=; no amino-acid change (proline 485 retained).
Molecular consequence: synonymous variant.
Genome position (GRCh38, 1-based): chr11:66,265,865, C>T. VCF-style: chr11-66265865-C-T. GRCh37 (hg19) VCF-style: chr11-66033336-C-T.
Other names: c.1224C>T, p.Pro408= (NM_001134774.2); c.1455C>T, p.Pro485= (NM_001134775.2, NM_001134776.2, NM_022822.3).
Identifiers: ClinVar variation 5041080 (VCV005041080.1).